The following is an entry in ClinVar:

NM_005633.4(SOS1):c.3284C>G (p.Ala1095Gly)

Gene: SOS1 (SOS Ras/Rac guanine nucleotide exchange factor 1; minus strand). Cytogenetic location: 2p22.1.
Variant type: single nucleotide variant.
Coding change: c.3284C>G on transcript NM_005633.4 (MANE Select); coding-DNA position 3284, C replaced by G.
Protein change: p.Ala1095Gly; replaces alanine 1095 with glycine.
Molecular consequence: missense variant.
Genome position (GRCh38, 1-based): chr2:38,995,185, G>C on the plus strand (C>G on the coding strand, the complement: SOS1 is on the minus strand). VCF-style: chr2-38995185-G-C. GRCh37 (hg19) VCF-style: chr2-39222326-G-C.
Other names: c.3263C>G, p.Ala1088Gly (NM_001382394.1); c.3284C>G, p.Ala1095Gly (NM_001382395.1); short protein forms A1088G, A1095G.
Identifiers: ClinVar variation 4841336 (VCV004841336.1).

ClinVar aggregate classification (germline): Uncertain significance (1 of 4 stars; one submission).

Conditions:
Cardiovascular phenotype. Identifiers: MedGen CN230736.

Submission:

Ambry Genetics
Classification: Uncertain significance for Cardiovascular phenotype. Last evaluated: 2025-12-16. Review status: criteria provided, single submitter. Criteria: Ambry Variant Classification Scheme 2023. Collection method: clinical testing. Allele origin: germline.
Comment: The p.A1095G variant (also known as c.3284C>G), located in coding exon 20 of the SOS1 gene, results from a C to G substitution at nucleotide position 3284. The alanine at codon 1095 is replaced by glycine, an amino acid with similar properties. This amino acid position is conserved. In addition, this alteration is predicted to be tolerated by in silico analysis. Based on the available evidence, the clinical significance of this variant remains unclear.